The following is an entry in ClinVar:

NM_182961.4(SYNE1):c.21007T>A (p.Trp7003Arg)

Gene: SYNE1 (spectrin repeat containing nuclear envelope protein 1; minus strand). Cytogenetic location: 6q25.2.
Variant type: single nucleotide variant.
Coding change: c.21007T>A on transcript NM_182961.4 (MANE Select); coding-DNA position 21007, T replaced by A.
Protein change: p.Trp7003Arg; replaces tryptophan 7003 with arginine.
Molecular consequence: missense variant.
Genome position (GRCh38, 1-based): chr6:152,231,423, A>T on the plus strand (T>A on the coding strand, the complement: SYNE1 is on the minus strand). VCF-style: chr6-152231423-A-T. GRCh37 (hg19) VCF-style: chr6-152552558-A-T.
Other names: c.20794T>A, p.Trp6932Arg (NM_033071.5); short protein forms W7003R, W6932R.
Identifiers: ClinVar variation 1476042 (VCV001476042.8), dbSNP rs2082723314, ClinGen allele CA366114413.

ClinVar aggregate classification (germline): Uncertain significance (1 of 4 stars; one submission).

Conditions:
Autosomal recessive ataxia, Beauce type. Also called: SYNE1-Related Autosomal Recessive Cerebellar Ataxia; Spinocerebellar ataxia, autosomal recessive 8; ATAXIA, RECESSIVE, OF BEAUCE; SYNE1 Deficiency. Identifiers: Orphanet 88644, MedGen C1853116, MONDO:0012549, OMIM 610743.
Emery-Dreifuss muscular dystrophy 4, autosomal dominant (EDMD4). Also called: EMERY-DREIFUSS MUSCULAR DYSTROPHY 4 WITH VARIABLE FEATURES. Identifiers: Orphanet 261, MedGen C2751807, MONDO:0013071, OMIM 612998.

Allele frequency attached by ClinVar (database versions not stated): TOPMed below 0.00001.

Submission:

Labcorp Genetics (formerly Invitae), Labcorp
Classification: Uncertain significance for Emery-Dreifuss muscular dystrophy 4, autosomal dominant; Autosomal recessive ataxia, Beauce type. Last evaluated: 2021-06-24. Review status: criteria provided, single submitter. Criteria: Invitae Variant Classification Sherloc (09022015). Collection method: clinical testing. Allele origin: germline.
Comment: This variant is not present in population databases (ExAC no frequency). This sequence change replaces tryptophan with arginine at codon 6932 of the SYNE1 protein (p.Trp6932Arg). The tryptophan residue is highly conserved and there is a moderate physicochemical difference between tryptophan and arginine. This variant has not been reported in the literature in individuals with SYNE1-related conditions. Algorithms developed to predict the effect of missense changes on protein structure and function (SIFT, PolyPhen-2, Align-GVGD) all suggest that this variant is likely to be disruptive, but these predictions have not been confirmed by published functional studies and their clinical significance is uncertain. In summary, the available evidence is currently insufficient to determine the role of this variant in disease. Therefore, it has been classified as a Variant of Uncertain Significance.